The following is an entry in ClinVar:

ClinVar aggregate classification (germline): Uncertain significance. Review status: criteria provided, multiple submitters, no conflicts (2 of 4 stars). 5 submissions from 5 submitters: Uncertain significance (5). Last evaluated 2026-02-11.

Conditions:
Colorectal cancer. Also called: Colorectal cancer, somatic; Malignant Colorectal Neoplasm. Identifiers: MedGen C0346629, MONDO:0005575, OMIM 114500.
Familial spontaneous pneumothorax (PSP). Identifiers: Orphanet 2903, MedGen C1868193, MONDO:0008259, OMIM 173600.
17p11.2 microduplication syndrome (PTLS). Also called: CHROMOSOME 17p11.2 DUPLICATION SYNDROME; Potocki-Lupski syndrome; Duplication 17p11.2 syndrome; Potocki-Lupski syndrome (dup(17)(p11.2p11.2)). Identifiers: Orphanet 1713, MedGen C2931246, MONDO:0012574, OMIM 610883.
Birt-Hogg-Dube syndrome. Also called: Birt Hogg Dubé syndrome. Identifiers: Orphanet 122, MedGen C0346010, MONDO:0800444.
Nonpapillary renal cell carcinoma. Identifiers: Orphanet 422526, MedGen CN074294, MONDO:0007763, OMIM 144700.
Hereditary cancer-predisposing syndrome. Also called: Tumor predisposition; Hereditary neoplastic syndrome; Neoplastic Syndromes, Hereditary; Hereditary Cancer Syndrome. Identifiers: Orphanet 140162, MedGen C0027672, MeSH D009386, MONDO:0015356.
Birt-Hogg-Dube syndrome 1 (BHD1). Also called: FIBROFOLLICULOMAS WITH TRICHODISCOMAS AND ACROCHORDONS. Identifiers: Orphanet 122, MedGen CN375946, MONDO:0800445, OMIM 135150.

Allele frequency attached by ClinVar (database versions not stated): gnomAD exomes below 0.00001; ExAC 0.00001; gnomAD 0.00001; TOPMed 0.00001; ESP Exome Variant Server 0.00008.
gnomAD v4.1: 3 of 1,614,084 alleles (0.00019%); highest among the groups gnomAD compares: African/African-American, 0.004%; no homozygotes.

Submissions (5):

St. Jude Molecular Pathology, St. Jude Children's Research Hospital
Classification: Uncertain significance for Birt-Hogg-Dube syndrome 1. Last evaluated: 2026-02-11. Review status: criteria provided, single submitter. Criteria: St. Jude Assertion Criteria 2020. Collection method: clinical testing. Allele origin: germline.
Comment: The FLCN c.644G>A p.(Cys215T yr) missense change has a maximum subpopulation frequency of 0.006% in gnomAD v2.1.1. The in silico tool REVEL is inconclusive about a pathogenic or benign effect of this variant on protein function, and to our knowled ge functional studies have not been performed. To our knowledge, this variant has not been reported in individuals with Birt-Hogg-DubÃƒ © syndrome. In summary, the evidence currently available is insufficient to determine the clinical significance of thi s variant. It has therefore been classified as of uncertain significance.

Labcorp Genetics (formerly Invitae), Labcorp
Classification: Uncertain significance for Birt-Hogg-Dube syndrome. Last evaluated: 2025-12-09. Review status: criteria provided, single submitter. Criteria: Invitae Variant Classification Sherloc (09022015). Collection method: clinical testing. Allele origin: germline.
Comment: This sequence change replaces cysteine, which is neutral and slightly polar, with tyrosine, which is neutral and polar, at codon 215 of the FLCN protein (p.Cys215Tyr). This variant is present in population databases (rs370074267, gnomAD 0.007%). This variant has not been reported in the literature in individuals affected with FLCN-related conditions. ClinVar contains an entry for this variant (Variation ID: 1503069). Invitae Evidence Modeling of protein sequence and biophysical properties (such as structural, functional, and spatial information, amino acid conservation, physicochemical variation, residue mobility, and thermodynamic stability) indicates that this missense variant is not expected to disrupt FLCN protein function with a negative predictive value of 80%. In summary, the available evidence is currently insufficient to determine the role of this variant in disease. Therefore, it has been classified as a Variant of Uncertain Significance.

Ambry Genetics
Classification: Uncertain significance for Hereditary cancer-predisposing syndrome. Last evaluated: 2025-10-14. Review status: criteria provided, single submitter. Criteria: Ambry Variant Classification Scheme 2023. Collection method: clinical testing. Allele origin: germline.
Comment: The p.C215Y variant (also known as c.644G>A), located in coding exon 4 of the FLCN gene, results from a G to A substitution at nucleotide position 644. The cysteine at codon 215 is replaced by tyrosine, an amino acid with highly dissimilar properties. This amino acid position is highly conserved in available vertebrate species. In addition, this alteration is predicted to be deleterious by in silico analysis. Based on the available evidence, the clinical significance of this variant remains unclear.

GeneDx
Classification: Uncertain significance. Last evaluated: 2024-04-19. Review status: criteria provided, single submitter. Criteria: GeneDx Variant Classification Process June 2021. Collection method: clinical testing. Allele origin: germline. Affected: yes.
Comment: Not observed at significant frequency in large population cohorts (gnomAD); In silico analysis supports that this missense variant has a deleterious effect on protein structure/function; Has not been previously published as pathogenic or benign to our knowledge

Fulgent Genetics
Classification: Uncertain significance for Colorectal cancer; Birt-Hogg-Dube syndrome 1; Nonpapillary renal cell carcinoma; Familial spontaneous pneumothorax; 17p11.2 microduplication syndrome. Last evaluated: 2022-02-02. Review status: criteria provided, single submitter. Criteria: ACMG Guidelines, 2015. Collection method: clinical testing. Allele origin: unknown.

NM_144997.7(FLCN):c.644G>A (p.Cys215Tyr)

Gene: FLCN (folliculin; minus strand). Cytogenetic location: 17p11.2.
Variant type: single nucleotide variant.
Coding change: c.644G>A on transcript NM_144997.7 (MANE Select); coding-DNA position 644, G replaced by A.
Protein change: p.Cys215Tyr; replaces cysteine 215 with tyrosine.
Molecular consequence: missense variant.
Genome position (GRCh38, 1-based): chr17:17,222,636, C>T on the plus strand (G>A on the coding strand, the complement: FLCN is on the minus strand). VCF-style: chr17-17222636-C-T. GRCh37 (hg19) VCF-style: chr17-17125950-C-T.
Other names: c.698G>A, p.Cys233Tyr (NM_001353229.2); c.644G>A, p.Cys215Tyr (NM_001353230.2, NM_001353231.2, NM_144606.7); c.644G>A (NM_144997.5); short protein forms C215Y, C233Y.
Identifiers: ClinVar variation 1503069 (VCV001503069.11), dbSNP rs370074267, ClinGen allele CA8416346.
Genomic context (GRCh38, chr17:17,222,636, plus strand): 5'-CCGTTCCTCTGGTGTAGGAATGGCGTGAAGGCTGTGTTCATCCTCTGAGCACGCTGTGGG[C>T]ATCCAAACTGCTCTGCCTCAAACACCTGAAATGCAAAGGGAAGGGATGGCCTCTTTAAGC-3'
Protein context (NP_659434.2, residues 205-225): LKVFEAEQFG[Cys215Tyr]PQRAQRMNTA